The following is an entry in ClinVar:

ClinVar aggregate classification (germline): Uncertain significance (1 of 4 stars; one submission).

Conditions:
Amyotrophic lateral sclerosis type 10 (ALS10). Also called: TARDBP-Related Amyotrophic Lateral Sclerosis-Frontotemporal Dementia; AMYOTROPHIC LATERAL SCLEROSIS 10 WITHOUT FRONTOTEMPORAL DEMENTIA AND WITH TDP43 INCLUSIONS; AMYOTROPHIC LATERAL SCLEROSIS 10 WITH OR WITHOUT FRONTOTEMPORAL DEMENTIA AND WITH TDP43 INCLUSIONS; AMYOTROPHIC LATERAL SCLEROSIS 10 WITH OR WITHOUT FRONTOTEMPORAL DEMENTIA; Amyotrophic lateral sclerosis 10, with or without FTD. Identifiers: Orphanet 275872, Orphanet 803, MedGen C2677565, MONDO:0012790, OMIM 612069.

Allele frequency attached by ClinVar (database versions not stated): TOPMed below 0.00001.
gnomAD v4.1: 1 of 1,612,030 alleles (0.000062%); highest among the groups gnomAD compares: Non-Finnish European, 0.000085%; no homozygotes.

Submission:

Human Genetics Bochum, Ruhr University Bochum
Classification: Uncertain significance for Amyotrophic lateral sclerosis type 10. Last evaluated: 2022-08-05. Review status: criteria provided, single submitter. Criteria: ACMG Guidelines, 2015. Collection method: clinical testing. Allele origin: germline. Affected: yes.
Comment: ACMG criteria used to clasify this variant: PM2, PP3

NM_005235.3(ERBB4):c.3494C>G (p.Pro1165Arg)

Gene: ERBB4 (erb-b2 receptor tyrosine kinase 4; minus strand). Cytogenetic location: 2q34.
Variant type: single nucleotide variant.
Coding change: c.3494C>G on transcript NM_005235.3 (MANE Select); coding-DNA position 3494, C replaced by G.
Protein change: p.Pro1165Arg; replaces proline 1165 with arginine.
Molecular consequence: missense variant.
Genome position (GRCh38, 1-based): chr2:211,384,048, G>C on the plus strand (C>G on the coding strand, the complement: ERBB4 is on the minus strand). VCF-style: chr2-211384048-G-C. GRCh37 (hg19) VCF-style: chr2-212248773-G-C.
Other names: c.3446C>G, p.Pro1149Arg (NM_001042599.2); short protein forms P1149R, P1165R.
Identifiers: ClinVar variation 1801687 (VCV001801687.1), dbSNP rs202042335, ClinGen allele CA65138412.
Genomic context (GRCh38, chr2:211,384,048, plus strand): 5'-TTATCCAATGCTTGAAGGTCTCCATTTTTTCTCCGAGAAACAAAAGGGTTCTCCTCCACT[G>C]GATTCAGGTATTCTAAAGGAATAAAAAAATATCAGCTAACCTCTAGTTTCTGGAAAATAT-3'
Protein context (NP_005226.1, residues 1155-1175): RDKPKQEYLN[Pro1165Arg]VEENPFVSRR